The following is an entry in ClinVar:

ClinVar aggregate classification (germline): Likely benign. Review status: criteria provided, multiple submitters, no conflicts (2 of 4 stars). 3 submissions from 3 submitters: Likely benign (2). 1 of the submissions does not count toward it. Last evaluated 2025-10-10.

Conditions:
Rubinstein-Taybi syndrome due to EP300 haploinsufficiency. Also called: RUBINSTEIN-TAYBI SYNDROME 2; EP300-Related Rubinstein-Taybi Syndrome. Identifiers: Orphanet 353284, Orphanet 783, MedGen C3150941, MONDO:0013364, OMIM 613684.
EP300-related disorder. Also called: EP300-related disorders; EP300-related condition.

Submissions (3):

Labcorp Genetics (formerly Invitae), Labcorp
Classification: Likely benign for Rubinstein-Taybi syndrome due to EP300 haploinsufficiency. Last evaluated: 2025-10-10. Review status: criteria provided, single submitter. Criteria: Invitae Variant Classification Sherloc (09022015). Collection method: clinical testing. Allele origin: germline.

GeneDx
Classification: Likely benign. Last evaluated: 2020-09-15. Review status: criteria provided, single submitter. Criteria: GeneDx Variant Classification Process June 2021. Collection method: clinical testing. Allele origin: germline. Affected: yes.
Comment: Has not been previously published as pathogenic or benign to our knowledge; In-silico analysis, which includes splice predictors and evolutionary conservation, is inconclusive as to whether the variant alters gene splicing. In the absence of RNA/functional studies, the actual effect of this sequence change is unknown.

PreventionGenetics, part of Exact Sciences
Classification: Likely benign for EP300-related condition. Last evaluated: 2023-01-30. Review status: no assertion criteria provided. Collection method: clinical testing. Allele origin: germline. Not counted in ClinVar's aggregate classification.
Comment: This variant is classified as likely benign based on ACMG/AMP sequence variant interpretation guidelines (Richards et al. 2015 PMID: 25741868, with internal and published modifications).

NM_001429.4(EP300):c.4780-11_4780-8del

Gene: EP300 (EP300 lysine acetyltransferase; plus strand). Cytogenetic location: 22q13.2.
Variant type: Microsatellite.
Coding change: c.4780-11_4780-8del on transcript NM_001429.4 (MANE Select); 11 bases into the intron before coding-DNA position 4780 through 8 bases into the intron before coding-DNA position 4780, 4 bases deleted (CTGT; older notation c.4780-11_4780-8delCTGT).
Molecular consequence: intron variant.
Genome position (GRCh38, 1-based): chr22:41,176,236-41,176,239, CTGT deleted; deleting any 4 consecutive bases within chr22:41,176,232-41,176,239 gives the same sequence; the c. name uses the placement nearest the transcript's 3' end. VCF-style (leftmost placement, unchanged base first): chr22-41176231-ACTGT-A. GRCh37 (hg19) VCF-style: chr22-41572235-ACTGT-A.
Other names: c.4702-11_4702-8del (NM_001362843.2); c.4780-11_4780-8delCTGT (NM_001429.3).
Identifiers: ClinVar variation 1207174 (VCV001207174.10), dbSNP rs748277415, ClinGen allele CA10253523.